The following is an entry in ClinVar:

ClinVar aggregate classification (germline): Likely pathogenic (1 of 4 stars; one submission).

Conditions:
Nephrotic syndrome 15. Identifiers: MedGen C4539896, MONDO:0033262, OMIM 617609.

Submission:

Laboratorio de Genetica e Diagnostico Molecular, Hospital Israelita Albert Einstein
Classification: Likely pathogenic for Nephrotic syndrome 15. Last evaluated: 2021-09-01. Review status: criteria provided, single submitter. Criteria: ACMG Guidelines, 2015. Collection method: clinical testing. Allele origin: germline. Affected: yes.
Comment: ACMG classification criteria: PVS1 very strong, PM2 moderate

NM_012301.4(MAGI2):c.147del (p.Gly50fs)

Genes: MAGI2 (membrane associated guanylate kinase, WW and PDZ domain containing 2; minus strand), MAGI2-AS3 (MAGI2 antisense RNA 3; plus strand). Cytogenetic location: 7q21.11.
Variant type: Deletion.
Coding change: c.147del on transcript NM_012301.4 (MANE Select); coding-DNA position 147, one base deleted (C; older notation c.147delC).
Protein change: p.Gly50fs; shifts the reading frame from glycine 50.
Molecular consequence: frameshift variant. On other transcripts: non-coding transcript variant (2).
Genome position (GRCh38, 1-based): chr7:79,453,174, G deleted on the plus strand (C on the coding strand, the reverse complement: MAGI2 is on the minus strand); the first of 3 consecutive G bases (chr7:79,453,174-79,453,176); deleting any one gives the same sequence. VCF-style (leftmost placement, unchanged base first): chr7-79453173-CG-C. GRCh37 (hg19) VCF-style: chr7-79082489-CG-C.
Other names: c.147del, p.Gly50fs (NM_001301128.2); short protein forms G50fs.
Identifiers: ClinVar variation 1683652 (VCV001683652.2), dbSNP rs2129210679, ClinGen allele CA2573142332.